The following is an entry in ClinVar:

NM_138694.4(PKHD1):c.4045del (p.Leu1349fs)

Gene: PKHD1 (PKHD1 ciliary IPT domain containing fibrocystin/polyductin; minus strand). Cytogenetic location: 6p12.2.
Variant type: Deletion.
Coding change: c.4045del on transcript NM_138694.4 (MANE Select); coding-DNA position 4045, one base deleted (C; older notation c.4045delC).
Protein change: p.Leu1349fs; shifts the reading frame from leucine 1349.
Molecular consequence: frameshift variant.
Genome position (GRCh38, 1-based): chr6:52,025,765, G deleted on the plus strand (C on the coding strand, the reverse complement: PKHD1 is on the minus strand); the first of 2 consecutive G bases (chr6:52,025,765-52,025,766); deleting either gives the same sequence. VCF-style (leftmost placement, unchanged base first): chr6-52025764-AG-A. GRCh37 (hg19) VCF-style: chr6-51890562-AG-A.
Other names: c.4045del, p.Leu1349fs (NM_170724.3); short protein forms L1349fs.
Identifiers: ClinVar variation 3593933 (VCV003593933.2).

ClinVar aggregate classification (germline): Pathogenic/Likely pathogenic. Review status: criteria provided, multiple submitters, no conflicts (2 of 4 stars). 2 submissions from 2 submitters: Pathogenic (1); Likely pathogenic (1). Last evaluated 2025-11-22.

Conditions:
Autosomal recessive polycystic kidney disease (ARPKD). Also called: AR polycystic kidney disease. Identifiers: Orphanet 731, Orphanet 8378, MedGen C0085548, MeSH D017044, MONDO:0009889.
Polycystic kidney disease 4 (PKD4). Also called: Autosomal Recessive Polycystic Kidney Disease – PKHD1; PKD3; POLYCYSTIC KIDNEY AND HEPATIC DISEASE 1; POLYCYSTIC KIDNEY DISEASE, INFANTILE, TYPE I; POLYCYSTIC KIDNEY DISEASE 4 WITH OR WITHOUT POLYCYSTIC LIVER DISEASE. Identifiers: MedGen C4540575, MONDO:0033004, OMIM 263200.

Submissions (2):

Labcorp Genetics (formerly Invitae), Labcorp
Classification: Pathogenic for Autosomal recessive polycystic kidney disease. Last evaluated: 2025-11-22. Review status: criteria provided, single submitter. Criteria: Invitae Variant Classification Sherloc (09022015). Collection method: clinical testing. Allele origin: germline.
Comment: This sequence change creates a premature translational stop signal (p.Leu1349Cysfs*39) in the PKHD1 gene. It is expected to result in an absent or disrupted protein product. Loss-of-function variants in PKHD1 are known to be pathogenic (PMID: 19940839). This variant is not present in population databases (gnomAD no frequency). This variant has not been reported in the literature in individuals affected with PKHD1-related conditions. ClinVar contains an entry for this variant (Variation ID: 3593933). For these reasons, this variant has been classified as Pathogenic.

Fulgent Genetics
Classification: Likely pathogenic for Polycystic kidney disease 4. Last evaluated: 2024-02-19. Review status: criteria provided, single submitter. Criteria: ACMG Guidelines, 2015. Collection method: clinical testing. Allele origin: germline.

Literature cited by the submitters: PubMed 19940839 (cited by Labcorp Genetics (formerly Invitae), Labcorp).